The following is an entry in ClinVar:

NM_032790.4(ORAI1):c.129_133del (p.Pro44fs)

Genes: ORAI1 (ORAI calcium release-activated calcium modulator 1; plus strand), LOC130008987 (ATAC-STARR-seq lymphoblastoid silent region 4981; plus strand). Cytogenetic location: 12q24.31.
Variant type: Deletion.
Coding change: c.129_133del on transcript NM_032790.4 (MANE Select); coding-DNA positions 129 to 133, 5 bases deleted (GCCAC; older notation c.129_133delGCCAC).
Protein change: p.Pro44fs; shifts the reading frame from proline 44.
Molecular consequence: frameshift variant.
Genome position (GRCh38, 1-based): chr12:121,626,876-121,626,880, GCCAC deleted; deleting any 5 consecutive bases within chr12:121,626,875-121,626,880 gives the same sequence; the c. name uses the placement nearest the transcript's 3' end. VCF-style (leftmost placement, unchanged base first): chr12-121626874-CCGCCA-C. GRCh37 (hg19) VCF-style: chr12-122064783-CCA-C.
Other names: c.129_133delGCCAC, p.Pro44Alafs (NM_032790.3); short protein forms P44fs.
Identifiers: ClinVar variation 3236451 (VCV003236451.3), dbSNP rs782163275, ClinGen allele CA684498536.

ClinVar aggregate classification (germline): Conflicting classifications of pathogenicity. Review status: criteria provided, conflicting classifications (1 of 4 stars). 2 submissions from 2 submitters: Likely pathogenic (1); Uncertain significance (1). Last evaluated 2026-04-01.

Conditions:
Primary ciliary dyskinesia. Also called: Ciliary dyskinesia. Identifiers: Orphanet 244, MedGen C0008780, MONDO:0016575, HP:0012265.
Combined immunodeficiency due to ORAI1 deficiency. Also called: IMMUNODEFICIENCY 9. Identifiers: Orphanet 169090, Orphanet 317428, MedGen C2748568, MONDO:0013007, OMIM 612782.

Submissions (2):

Department of Human Genetics, Hannover Medical School
Classification: Uncertain significance for Primary Ciliary Dyskinesia. Last evaluated: 2026-04-01. Review status: criteria provided, single submitter. Criteria: ACMG Guidelines, 2015. Collection method: research. Allele origin: germline. Affected: no.
Comment: Classification performed by HerediClassify using the following criteria:['PM2_supporting: Variant occures does not occur as homozygous in gnomAD.', 'PVS1_protein_strong: Transcript ENST00000617316 is not predicted to undergo NMD. Protein length change of 0.7209302325581395 observed.']

Neuberg Centre For Genomic Medicine, NCGM
Classification: Likely pathogenic for Combined immunodeficiency due to ORAI1 deficiency. Review status: criteria provided, single submitter. Criteria: ACMG Guidelines, 2015. Collection method: clinical testing. Allele origin: germline. Inheritance: Autosomal recessive inheritance. Affected: yes.
Comment: The frame shift c.129_133del p.Pro44AlafsTer42 variant in ORAI1 gene has not been reported previously as a pathogenic variant nor as a benign variant, to our knowledge. The p.Pro44AlafsTer42 variant has allele frequency 0.005% in gnomAD Exomes and is novel not in any individuals in 1000 Genomes. This variant has not been reported to the ClinVar database. This variant causes a frameshift starting with codon Proline 44, changes this amino acid to Alanine residue, and creates a premature Stop codon at position 42 of the new reading frame, denoted p.Pro44AlafsTer42. This variant is predicted to cause loss of normal protein function through protein truncation. Loss of function variants have been previously reported to be disease causing. For these reasons, this variant has been classified as Likely Pathogenic.